The following is an entry in ClinVar:

NM_005051.3(QARS1):c.107C>T (p.Ala36Val)

Genes: QARS1 (glutaminyl-tRNA synthetase 1; minus strand), LOC129936736 (ATAC-STARR-seq lymphoblastoid active region 19853; plus strand). Cytogenetic location: 3p21.31.
Variant type: single nucleotide variant.
Coding change: c.107C>T on transcript NM_005051.3 (MANE Select); coding-DNA position 107, C replaced by T.
Protein change: p.Ala36Val; replaces alanine 36 with valine.
Molecular consequence: missense variant. On other transcripts: non-coding transcript variant (1).
Genome position (GRCh38, 1-based): chr3:49,104,627, G>A on the plus strand (C>T on the coding strand, the complement: QARS1 is on the minus strand). VCF-style: chr3-49104627-G-A. GRCh37 (hg19) VCF-style: chr3-49142060-G-A.
Other names: c.107C>T, p.Ala36Val (NM_001272073.2); short protein forms A36V.
Identifiers: ClinVar variation 949601 (VCV000949601.7), dbSNP rs1575404644, ClinGen allele CA352723633.
Genomic context (GRCh38, chr3:49,104,627, plus strand): 5'-TGCGTTGCAGCATGGTCTGCAAACCAGGCCGGGGGCAGAGGGGCTCGCACCTGAGTAGCG[G>A]CCTCGCGCAGCTGCGCGCTCAGAGCCGAGTTCTTGAGCGTCTCGCGGGCCTTCTGCTCGC-3'
Protein context (NP_005042.1, residues 26-46): NSALSAQLRE[Ala36Val]ATQAQQTLGS

ClinVar aggregate classification (germline): Uncertain significance. Review status: criteria provided, multiple submitters, no conflicts (2 of 4 stars). 2 submissions from 2 submitters: Uncertain significance (2). Last evaluated 2022-05-20.

Conditions:
Diffuse cerebral and cerebellar atrophy - intractable seizures - progressive microcephaly syndrome. Also called: Microcephaly, progressive, with seizures and cerebral and cerebellar atrophy. Identifiers: Orphanet 404437, MedGen C4014239, MONDO:0014335, OMIM 615760.

Allele frequency attached by ClinVar (database versions not stated): gnomAD exomes 0.00002.
gnomAD v4.1: 30 of 1,604,704 alleles (0.0019%); highest among the groups gnomAD compares: Non-Finnish European, 0.0026%; no homozygotes.

Submissions (2):

GeneDx
Classification: Uncertain significance. Last evaluated: 2022-05-20. Review status: criteria provided, single submitter. Criteria: GeneDx Variant Classification Process June 2021. Collection method: clinical testing. Allele origin: germline. Affected: yes.
Comment: Not observed at significant frequency in large population cohorts (gnomAD); In silico analysis supports that this missense variant does not alter protein structure/function; Has not been previously published as pathogenic or benign to our knowledge; This variant is associated with the following publications: (PMID: 25471517)

Labcorp Genetics (formerly Invitae), Labcorp
Classification: Uncertain significance for Diffuse cerebral and cerebellar atrophy - intractable seizures - progressive microcephaly syndrome. Last evaluated: 2021-04-24. Review status: criteria provided, single submitter. Criteria: Invitae Variant Classification Sherloc (09022015). Collection method: clinical testing. Allele origin: germline.
Comment: This variant has not been reported in the literature in individuals with QARS-related conditions. This variant is not present in population databases (ExAC no frequency). This sequence change replaces alanine with valine at codon 36 of the QARS protein (p.Ala36Val). The alanine residue is moderately conserved and there is a small physicochemical difference between alanine and valine. Algorithms developed to predict the effect of missense changes on protein structure and function are either unavailable or do not agree on the potential impact of this missense change (SIFT: "Tolerated"; PolyPhen-2: "Probably Damaging"; Align-GVGD: "Class C0"). In summary, the available evidence is currently insufficient to determine the role of this variant in disease. Therefore, it has been classified as a Variant of Uncertain Significance.